The following is an entry in ClinVar:

NM_033004.4(NLRP1):c.2414A>G (p.Lys805Arg)

Gene: NLRP1 (NLR family pyrin domain containing 1; minus strand). Cytogenetic location: 17p13.2.
Variant type: single nucleotide variant.
Coding change: c.2414A>G on transcript NM_033004.4 (MANE Select); coding-DNA position 2414, A replaced by G.
Protein change: p.Lys805Arg; replaces lysine 805 with arginine.
Molecular consequence: missense variant.
Genome position (GRCh38, 1-based): chr17:5,553,500, T>C on the plus strand (A>G on the coding strand, the complement: NLRP1 is on the minus strand). VCF-style: chr17-5553500-T-C. GRCh37 (hg19) VCF-style: chr17-5456820-T-C.
Other names: c.2414A>G, p.Lys805Arg (NM_001033053.3, NM_014922.5, NM_033006.4 and 1 more transcripts); short protein forms K805R.
Identifiers: ClinVar variation 1500258 (VCV001500258.6), dbSNP rs773622274, ClinGen allele CA8327165.

ClinVar aggregate classification (germline): Uncertain significance (1 of 4 stars; one submission).

Allele frequency attached by ClinVar (database versions not stated): gnomAD 0.00001; gnomAD exomes 0.00001; TOPMed 0.00001; ExAC 0.00002.
gnomAD v4.1: 19 of 1,614,070 alleles (0.0012%); highest among the groups gnomAD compares: East Asian, 0.0022%; no homozygotes.

Submission:

Labcorp Genetics (formerly Invitae), Labcorp
Classification: Uncertain significance. Last evaluated: 2025-07-23. Review status: criteria provided, single submitter. Criteria: Invitae Variant Classification Sherloc (09022015). Collection method: clinical testing. Allele origin: germline.
Comment: This sequence change replaces lysine, which is basic and polar, with arginine, which is basic and polar, at codon 805 of the NLRP1 protein (p.Lys805Arg). This variant is present in population databases (rs773622274, gnomAD 0.0009%). This variant has not been reported in the literature in individuals affected with NLRP1-related conditions. ClinVar contains an entry for this variant (Variation ID: 1500258). An algorithm developed to predict the effect of missense changes on protein structure and function outputs the following: PolyPhen-2: "Benign". The arginine amino acid residue is found in multiple mammalian species, which suggests that this missense change does not adversely affect protein function. Algorithms developed to predict the effect of sequence changes on RNA splicing suggest that this variant may disrupt the consensus splice site. In summary, the available evidence is currently insufficient to determine the role of this variant in disease. Therefore, it has been classified as a Variant of Uncertain Significance.